The following is an entry in ClinVar:

ClinVar aggregate classification (germline): Conflicting classifications of pathogenicity. Review status: criteria provided, conflicting classifications (1 of 4 stars). 6 submissions from 6 submitters: Uncertain significance (4); Benign (1); Likely benign (1). Last evaluated 2026-04-06.

Conditions:
AXIN2-related disorder.
Hereditary cancer-predisposing syndrome. Also called: Neoplastic Syndromes, Hereditary; Tumor predisposition; Hereditary neoplastic syndrome; Hereditary Cancer Syndrome. Identifiers: Orphanet 140162, MedGen C0027672, MeSH D009386, MONDO:0015356.
Oligodontia-cancer predisposition syndrome. Also called: TOOTH AGENESIS-COLORECTAL CANCER SYNDROME. Identifiers: Orphanet 300576, MedGen C1837750, MONDO:0012075, OMIM 608615. Disease mechanism: loss of function.

Allele frequency attached by ClinVar (database versions not stated): gnomAD exomes 0.00003 and 0.00007; ExAC 0.00008; gnomAD 0.00011 and 0.00013; TOPMed 0.00014; ESP Exome Variant Server 0.00038.
gnomAD v4.1: 58 of 1,613,740 alleles (0.0036%); highest among the groups gnomAD compares: African/African-American, 0.037%; 1 homozygote.

Submissions (6):

PreventionGenetics, part of Exact Sciences
Classification: Uncertain significance for AXIN2-related condition. Last evaluated: 2026-04-06. Review status: criteria provided, single submitter. Criteria: ACMG Guidelines, 2015. Collection method: clinical testing. Allele origin: germline.
Comment: The AXIN2 c.1948C>T variant is predicted to result in the amino acid substitution p.Arg650Cys. To our knowledge, this variant has not been reported in the literature. This variant is reported in 0.049% of alleles in individuals of African descent in gnomAD and has interpretations ranging from benign to uncertain in ClinVar (Variation ID: 182009). Although we suspect that this variant may be benign, at this time, the clinical significance of this variant is uncertain due to the absence of conclusive functional and genetic evidence.

Labcorp Genetics (formerly Invitae), Labcorp
Classification: Likely benign for Oligodontia-cancer predisposition syndrome. Last evaluated: 2026-01-31. Review status: criteria provided, single submitter. Criteria: Invitae Variant Classification Sherloc (09022015). Collection method: clinical testing. Allele origin: germline.

Ambry Genetics
Classification: Benign for Hereditary cancer-predisposing syndrome. Last evaluated: 2025-06-11. Review status: criteria provided, single submitter. Criteria: Ambry Variant Classification Scheme 2023. Collection method: clinical testing. Allele origin: germline.

GeneDx
Classification: Uncertain significance. Last evaluated: 2025-02-23. Review status: criteria provided, single submitter. Criteria: GeneDx Variant Classification Process June 2021. Collection method: clinical testing. Allele origin: germline. Affected: yes.
Comment: In silico analysis supports that this missense variant has a deleterious effect on protein structure/function; Has not been previously published as pathogenic or benign to our knowledge; This variant is associated with the following publications: (PMID: 15735151)

Sema4
Classification: Uncertain significance for Hereditary cancer-predisposing syndrome. Last evaluated: 2021-07-27. Review status: criteria provided, single submitter. Criteria: Sema4 Curation Guidelines. Collection method: curation. Allele origin: germline.
Comment: The AXIN2 c.1948C>T (p.R650C) variant has not been reported in literature to our knowledge. It was observed in 12/24668 chromosomes in the African/African American population, according to the Genome Aggregation Database (PMID: 32461654). This variant has been reported in ClinVar (Variation ID 182009). Functional studies have not been performed and in silico tool predictions of the variants effect on protein function are inconclusive. The evidence is insufficient to meet ACMG/AMP criteria for classifying the variant as benign or pathogenic. Thus, the clinical significance of this variant is currently uncertain.

Baylor Genetics
Classification: Uncertain significance for Oligodontia-cancer predisposition syndrome. Last evaluated: 2020-09-11. Review status: criteria provided, single submitter. Criteria: ACMG Guidelines, 2015. Collection method: clinical testing. Allele origin: unknown. Affected: yes. Study: CSER-TexasKidsCanSeq.
Comment: This variant was determined to be of uncertain significance according to ACMG Guidelines, 2015 [PMID:25741868].

NM_004655.4(AXIN2):c.1948C>T (p.Arg650Cys)

Gene: AXIN2 (axin 2; minus strand). Cytogenetic location: 17q24.1.
Variant type: single nucleotide variant.
Coding change: c.1948C>T on transcript NM_004655.4 (MANE Select); coding-DNA position 1948, C replaced by T.
Protein change: p.Arg650Cys; replaces arginine 650 with cysteine.
Molecular consequence: missense variant.
Genome position (GRCh38, 1-based): chr17:65,536,513, G>A on the plus strand (C>T on the coding strand, the complement: AXIN2 is on the minus strand). VCF-style: chr17-65536513-G-A. GRCh37 (hg19) VCF-style: chr17-63532631-G-A.
Other names: p.R650C:CGC>TGC; c.1948C>T (LRG_296t1); c.1753C>T, p.Arg585Cys (NM_001363813.1); short protein forms R650C, R585C.
Identifiers: ClinVar variation 182009 (VCV000182009.26), dbSNP rs148419444, ClinGen allele CA298395.
Genomic context (GRCh38, chr17:65,536,513, plus strand): 5'-GGTGCCCGCTGTTGCCCCCCCACAGATGGTGCCGGCTGGCTCGTTCGCCTGGAGACGAGC[G>A]GGCAGACTCCAAGGGGTAGGCCTTTTTTGTGCTTTGGGCACTAAACAAGGAATGAGCAGA-3'
Protein context (NP_004646.3, residues 640-660): TKKAYPLESA[Arg650Cys]SSPGERASRH